The following is an entry in ClinVar:

ClinVar aggregate classification (germline): Uncertain significance (1 of 4 stars; one submission).

Conditions:
Severe combined immunodeficiency due to DCLRE1C deficiency (RS-SCID). Also called: SCID, AUTOSOMAL RECESSIVE, T CELL-NEGATIVE, B CELL-NEGATIVE, NK CELL-POSITIVE, WITH SENSITIVITY TO IONIZING RADIATION. Identifiers: Orphanet 275, MedGen C1865371, MONDO:0011225, OMIM 602450.

Submission:

Labcorp Genetics (formerly Invitae), Labcorp
Classification: Uncertain significance for Athabaskan severe combined immunodeficiency. Last evaluated: 2024-09-23. Review status: criteria provided, single submitter. Criteria: Invitae Variant Classification Sherloc (09022015). Collection method: clinical testing. Allele origin: germline.
Comment: This sequence change replaces glutamic acid, which is acidic and polar, with glycine, which is neutral and non-polar, at codon 10 of the DCLRE1C protein (p.Glu10Gly). This variant is not present in population databases (gnomAD no frequency). This variant has not been reported in the literature in individuals affected with DCLRE1C-related conditions. An algorithm developed to predict the effect of missense changes on protein structure and function (PolyPhen-2) suggests that this variant is likely to be disruptive. In summary, the available evidence is currently insufficient to determine the role of this variant in disease. Therefore, it has been classified as a Variant of Uncertain Significance.

NM_001033855.3(DCLRE1C):c.29A>G (p.Glu10Gly)

Gene: DCLRE1C (DNA cross-link repair 1C; minus strand). Cytogenetic location: 10p13.
Variant type: single nucleotide variant.
Coding change: c.29A>G on transcript NM_001033855.3 (MANE Select); coding-DNA position 29, A replaced by G.
Protein change: p.Glu10Gly; replaces glutamic acid 10 with glycine.
Molecular consequence: missense variant. On other transcripts: non-coding transcript variant (4), 5 prime UTR variant (9).
Genome position (GRCh38, 1-based): chr10:14,953,982, T>C on the plus strand (A>G on the coding strand, the complement: DCLRE1C is on the minus strand). VCF-style: chr10-14953982-T-C. GRCh37 (hg19) VCF-style: chr10-14995981-T-C.
Other names: c.-463A>G (NM_001289077.2); c.-209A>G (NM_001289078.2, NM_001350966.2); c.-785A>G (NM_001289079.2); c.29A>G, p.Glu10Gly (NM_001350965.2); c.-417A>G (NM_001350967.2, NM_001033857.3); c.-261A>G (NM_022487.4); c.-739A>G (NM_001033858.3); c.-176A>G (NM_001289076.2); short protein forms E10G.
Identifiers: ClinVar variation 3730211 (VCV003730211.2).